The following is an entry in ClinVar:

ClinVar aggregate classification (germline): Uncertain significance. Review status: criteria provided, multiple submitters, no conflicts (2 of 4 stars). 2 submissions from 2 submitters: Uncertain significance (2). Last evaluated 2024-11-25.

Conditions:
Inborn genetic diseases. Identifiers: MedGen C0950123, MeSH D030342.
FAT1-related disorder. Also called: FAT1-related condition.

Allele frequency attached by ClinVar (database versions not stated): gnomAD exomes 0.00001; TOPMed 0.00003; gnomAD 0.00005; ESP Exome Variant Server 0.00008.
gnomAD v4.1: 18 of 1,613,866 alleles (0.0011%); highest among the groups gnomAD compares: African/African-American, 0.02%; no homozygotes.

Submissions (2):

Ambry Genetics
Classification: Uncertain significance for Inborn genetic diseases. Last evaluated: 2024-11-25. Review status: criteria provided, single submitter. Criteria: Ambry Variant Classification Scheme 2023. Collection method: clinical testing. Allele origin: germline.

PreventionGenetics, part of Exact Sciences
Classification: Uncertain significance for FAT1-related condition. Last evaluated: 2023-05-23. Review status: criteria provided, single submitter. Criteria: ACMG Guidelines, 2015. Collection method: clinical testing. Allele origin: germline.
Comment: The FAT1 c.1264A>G variant is predicted to result in the amino acid substitution p.Ile422Val. To our knowledge, this variant has not been reported in the literature. This variant is reported in 0.0083% of alleles in individuals of African descent in gnomAD. At this time, the clinical significance of this variant is uncertain due to the absence of conclusive functional and genetic evidence.

NM_005245.4(FAT1):c.1264A>G (p.Ile422Val)

Gene: FAT1 (FAT atypical cadherin 1; minus strand). Cytogenetic location: 4q35.2.
Variant type: single nucleotide variant.
Coding change: c.1264A>G on transcript NM_005245.4 (MANE Select); coding-DNA position 1264, A replaced by G.
Protein change: p.Ile422Val; replaces isoleucine 422 with valine.
Molecular consequence: missense variant.
Genome position (GRCh38, 1-based): chr4:186,708,564, T>C on the plus strand (A>G on the coding strand, the complement: FAT1 is on the minus strand). VCF-style: chr4-186708564-T-C. GRCh37 (hg19) VCF-style: chr4-187629718-T-C.
Other names: short protein forms I422V.
Identifiers: ClinVar variation 2629424 (VCV002629424.2), dbSNP rs370104838, ClinGen allele CA112182515.